The following is an entry in ClinVar:

ClinVar aggregate classification (germline): Likely pathogenic (1 of 4 stars; one submission).

Submission:

Labcorp Genetics (formerly Invitae), Labcorp
Classification: Likely pathogenic. Last evaluated: 2021-08-12. Review status: criteria provided, single submitter. Criteria: Invitae Variant Classification Sherloc (09022015). Collection method: clinical testing. Allele origin: germline.
Comment: This variant is a gross deletion of the genomic region encompassing exon(s) 10 of the COL4A5 gene. This variant would be expected to be in-frame, preserving the integrity of the reading frame. A similar copy number variant has been observed in individuals with clinical features of Alport syndrome (Invitae). In summary, the currently available evidence indicates that the variant is pathogenic, but additional data are needed to prove that conclusively. Therefore, this variant has been classified as Likely Pathogenic.

NC_000023.10:g.(?_107819120)_(107820077_?)del

Gene: COL4A5 (collagen type IV alpha 5 chain; plus strand). Cytogenetic location: Xq22.3.
Variant type: Deletion.
Identifiers: ClinVar variation 2423165 (VCV002423165.3).